The following is an entry in ClinVar:

ClinVar aggregate classification (germline): Likely pathogenic (1 of 4 stars; one submission).

Conditions:
Fanconi anemia (FA). Also called: Fanconi's anemia. Identifiers: Orphanet 84, MedGen C0015625, MeSH D005199, MONDO:0019391.

Allele frequency attached by ClinVar (database versions not stated): TOPMed below 0.00001; gnomAD 0.00001.
gnomAD v4.1: 3 of 1,604,178 alleles (0.00019%); highest among the groups gnomAD compares: East Asian, 0.0067%; no homozygotes.

Submission:

Labcorp Genetics (formerly Invitae), Labcorp
Classification: Likely pathogenic for Fanconi anemia. Last evaluated: 2022-05-24. Review status: criteria provided, single submitter. Criteria: Invitae Variant Classification Sherloc (09022015). Collection method: clinical testing. Allele origin: germline.
Comment: In summary, the currently available evidence indicates that the variant is pathogenic, but additional data are needed to prove that conclusively. Therefore, this variant has been classified as Likely Pathogenic. Algorithms developed to predict the effect of sequence changes on RNA splicing suggest that this variant may disrupt the consensus splice site. ClinVar contains an entry for this variant (Variation ID: 582016). This variant has not been reported in the literature in individuals affected with FANCL-related conditions. This variant is present in population databases (no rsID available, gnomAD 0.06%). This sequence change affects a donor splice site in intron 3 of the FANCL gene. It is expected to disrupt RNA splicing. Variants that disrupt the donor or acceptor splice site typically lead to a loss of protein function (PMID: 16199547), and loss-of-function variants in FANCL are known to be pathogenic (PMID: 19405097, 23613520).

Literature cited by the submitters: PubMed 16199547; PubMed 19405097; PubMed 23613520.

NM_018062.4(FANCL):c.216+1G>T

Gene: FANCL (FA complementation group L; minus strand). Cytogenetic location: 2p16.1.
Variant type: single nucleotide variant.
Coding change: c.216+1G>T on transcript NM_018062.4 (MANE Select); the canonical splice donor site of the intron after coding-DNA position 216, G replaced by T.
Molecular consequence: splice donor variant.
Genome position (GRCh38, 1-based): chr2:58,229,813, C>A on the plus strand (G>T on the coding strand, the complement: FANCL is on the minus strand). VCF-style: chr2-58229813-C-A. GRCh37 (hg19) VCF-style: chr2-58456948-C-A.
Other names: c.216+1G>T (NM_001410792.1, NM_001374615.1, NM_001114636.2).
Identifiers: ClinVar variation 582016 (VCV000582016.7), dbSNP rs1205006300, ClinGen allele CA347034744.